The following is an entry in ClinVar:

ClinVar aggregate classification (germline): Uncertain significance. Review status: criteria provided, multiple submitters, no conflicts (2 of 4 stars). 2 submissions from 2 submitters: Uncertain significance (2). Last evaluated 2023-08-31.

Allele frequency attached by ClinVar (database versions not stated): gnomAD 0.00002.
gnomAD v4.1: 6 of 1,613,492 alleles (0.00037%); highest among the groups gnomAD compares: Admixed American, 0.0067%; no homozygotes.

Submissions (2):

Labcorp Genetics (formerly Invitae), Labcorp
Classification: Uncertain significance. Last evaluated: 2023-08-31. Review status: criteria provided, single submitter. Criteria: Invitae Variant Classification Sherloc (09022015). Collection method: clinical testing. Allele origin: germline.
Comment: This sequence change replaces aspartic acid, which is acidic and polar, with tyrosine, which is neutral and polar, at codon 143 of the DUOX2 protein (p.Asp143Tyr). This variant is not present in population databases (gnomAD no frequency). This variant has not been reported in the literature in individuals affected with DUOX2-related conditions. ClinVar contains an entry for this variant (Variation ID: 1360233). Advanced modeling of protein sequence and biophysical properties (such as structural, functional, and spatial information, amino acid conservation, physicochemical variation, residue mobility, and thermodynamic stability) performed at Invitae indicates that this missense variant is not expected to disrupt DUOX2 protein function. In summary, the available evidence is currently insufficient to determine the role of this variant in disease. Therefore, it has been classified as a Variant of Uncertain Significance.

GeneDx
Classification: Uncertain significance. Last evaluated: 2022-11-18. Review status: criteria provided, single submitter. Criteria: GeneDx Variant Classification Process June 2021. Collection method: clinical testing. Allele origin: germline. Affected: yes.
Comment: Not observed at significant frequency in large population cohorts (gnomAD); In silico analysis supports that this missense variant has a deleterious effect on protein structure/function; Has not been previously published as pathogenic or benign to our knowledge

NM_001363711.2(DUOX2):c.427G>T (p.Asp143Tyr)

Gene: DUOX2 (dual oxidase 2; minus strand). Cytogenetic location: 15q21.1.
Variant type: single nucleotide variant.
Coding change: c.427G>T on transcript NM_001363711.2 (MANE Select); coding-DNA position 427, G replaced by T.
Protein change: p.Asp143Tyr; replaces aspartic acid 143 with tyrosine.
Molecular consequence: missense variant.
Genome position (GRCh38, 1-based): chr15:45,111,854, C>A on the plus strand (G>T on the coding strand, the complement: DUOX2 is on the minus strand). VCF-style: chr15-45111854-C-A. GRCh37 (hg19) VCF-style: chr15-45404052-C-A.
Other names: c.427G>T, p.Asp143Tyr (NM_014080.5); c.427G>T (NM_014080.4); short protein forms D143Y.
Identifiers: ClinVar variation 1360233 (VCV001360233.8), dbSNP rs371464257, ClinGen allele CA392279335.
Genomic context (GRCh38, chr15:45,111,854, plus strand): 5'-GTCCGGTCTCGGGGTCCCAGCGGCTCCTCTGGAAGGGCAGCACCACGTCCCCGCGCTGGT[C>A]GGGGTCGAACACGGGGTCTCCAGGTGGGATGCGGATGTTGAGGAACTCGGCGGGGCAACC-3'
Protein context (NP_001350640.1, residues 133-153): IPPGDPVFDP[Asp143Tyr]QRGDVVLPFQ